The following is an entry in ClinVar:

ClinVar aggregate classification (germline): Uncertain significance (1 of 4 stars; one submission).

Conditions:
EP400-related disorder. Also called: EP400-related condition.

Submission:

PreventionGenetics, part of Exact Sciences
Classification: Uncertain significance for EP400-related condition. Last evaluated: 2026-02-17. Review status: criteria provided, single submitter. Criteria: ACMG Guidelines, 2015. Collection method: clinical testing. Allele origin: germline.
Comment: The EP400 c.1637A>T variant is predicted to result in the amino acid substitution p.Asn546Ile. To our knowledge, this variant has not been reported in the literature or in a large population database (gnomAD), indicating this variant is rare. At this time, the clinical significance of this variant is uncertain due to the absence of conclusive functional and genetic evidence.

NM_015409.5(EP400):c.1637A>T (p.Asn546Ile)

Gene: EP400 (E1A binding protein p400; plus strand). Cytogenetic location: 12q24.33.
Variant type: single nucleotide variant.
Coding change: c.1637A>T on transcript NM_015409.5 (MANE Select); coding-DNA position 1637, A replaced by T.
Protein change: p.Asn546Ile; replaces asparagine 546 with isoleucine.
Molecular consequence: missense variant.
Genome position (GRCh38, 1-based): chr12:131,982,186, A>T. VCF-style: chr12-131982186-A-T. GRCh37 (hg19) VCF-style: chr12-132466731-A-T.
Other names: short protein forms N546I.
Identifiers: ClinVar variation 4984734 (VCV004984734.1).